The following is an entry in ClinVar:

ClinVar aggregate classification (germline): Likely benign. Review status: criteria provided, multiple submitters, no conflicts (2 of 4 stars). 5 submissions from 5 submitters: Likely benign (4). 1 of the submissions does not count toward it. Last evaluated 2026-03-01.

Conditions:
FAM20A-related disorder. Also called: FAM20A-related condition.
Amelogenesis imperfecta type 1G (AI1G). Also called: Amelogenesis imperfecta-gingival hyperplasia syndrome; AMELOGENESIS IMPERFECTA, TYPE IG; AMELOGENESIS IMPERFECTA, HYPOPLASTIC, AND NEPHROCALCINOSIS; ENAMEL-RENAL-GINGIVAL SYNDROME; AMELOGENESIS IMPERFECTA, HYPOPLASTIC, WITH NEPHROCALCINOSIS; Amelogenesis imperfecta nephrocalcinosis. Identifiers: Orphanet 1031, Orphanet 171836, MedGen C2931783, MONDO:0008771, OMIM 204690. Disease mechanism: loss of function.

Allele frequency attached by ClinVar (database versions not stated): TOPMed 0.00015; gnomAD 0.00014 and 0.00015; 1000 Genomes Project 0.00020; 1000 Genomes Project 30x 0.00031; gnomAD exomes 0.00014; ExAC 0.00016; ESP Exome Variant Server 0.00031.
gnomAD v4.1: 228 of 1,614,094 alleles (0.014%); highest among the groups gnomAD compares: Non-Finnish European, 0.018%; no homozygotes.

Submissions (5):

CeGaT Center for Human Genetics Tuebingen
Classification: Likely benign. Last evaluated: 2026-03-01. Review status: criteria provided, single submitter. Criteria: CeGaT Center For Human Genetics Tuebingen Variant Classification Criteria Version 2. Collection method: clinical testing. Allele origin: germline. Affected: yes. Observed: 2 variant alleles.
Comment: FAM20A: BP4, BP7

Labcorp Genetics (formerly Invitae), Labcorp
Classification: Likely benign. Last evaluated: 2026-01-11. Review status: criteria provided, single submitter. Criteria: Invitae Variant Classification Sherloc (09022015). Collection method: clinical testing. Allele origin: germline.

Blueprint Genetics
Classification: Likely benign. Last evaluated: 2024-11-07. Review status: criteria provided, single submitter. Criteria: ACMG Guidelines, 2015. Collection method: clinical testing. Allele origin: germline.

Fulgent Genetics
Classification: Likely benign for Amelogenesis imperfecta type 1G. Last evaluated: 2021-12-07. Review status: criteria provided, single submitter. Criteria: ACMG Guidelines, 2015. Collection method: clinical testing. Allele origin: unknown.

PreventionGenetics, part of Exact Sciences
Classification: Likely benign for FAM20A-related condition. Last evaluated: 2023-01-27. Review status: no assertion criteria provided. Collection method: clinical testing. Allele origin: germline. Not counted in ClinVar's aggregate classification.
Comment: This variant is classified as likely benign based on ACMG/AMP sequence variant interpretation guidelines (Richards et al. 2015 PMID: 25741868, with internal and published modifications).

NM_017565.4(FAM20A):c.792C>T (p.Ile264=)

Genes: FAM20A (FAM20A golgi associated secretory pathway pseudokinase; minus strand), PRKAR1A (protein kinase cAMP-dependent type I regulatory subunit alpha; plus strand). Cytogenetic location: 17q24.2.
Variant type: single nucleotide variant.
Coding change: c.792C>T on transcript NM_017565.4 (MANE Select); coding-DNA position 792, C replaced by T.
Protein change: p.Ile264=; no amino-acid change (isoleucine 264 retained).
Molecular consequence: synonymous variant. On other transcripts: non-coding transcript variant (1), intron variant (1).
Genome position (GRCh38, 1-based): chr17:68,543,649, G>A on the plus strand (C>T on the coding strand, the complement: FAM20A is on the minus strand). VCF-style: chr17-68543649-G-A. GRCh37 (hg19) VCF-style: chr17-66539790-G-A.
Other names: c.378C>T, p.Ile126= (NM_001243746.2); c.974-7435G>A (NM_001276290.1).
Identifiers: ClinVar variation 731711 (VCV000731711.34), dbSNP rs139591838, ClinGen allele CA8729927.